The following is an entry in ClinVar:

ClinVar aggregate classification (germline): Uncertain significance (1 of 4 stars; one submission).

Conditions:
Fanconi anemia (FA). Also called: Fanconi's anemia. Identifiers: Orphanet 84, MedGen C0015625, MeSH D005199, MONDO:0019391.

Submission:

Labcorp Genetics (formerly Invitae), Labcorp
Classification: Uncertain significance for Fanconi anemia. Last evaluated: 2022-02-03. Review status: criteria provided, single submitter. Criteria: Invitae Variant Classification Sherloc (09022015). Collection method: clinical testing. Allele origin: germline.
Comment: This variant occurs in a non-coding region of the FANCC gene. It does not change the encoded amino acid sequence of the FANCC protein. This variant is not present in population databases (gnomAD no frequency). This variant has not been reported in the literature in individuals affected with FANCC-related conditions. Algorithms developed to predict the effect of sequence changes on RNA splicing suggest that this variant may disrupt the consensus splice site. In summary, the available evidence is currently insufficient to determine the role of this variant in disease. Therefore, it has been classified as a Variant of Uncertain Significance.

NM_000136.3(FANCC):c.-79+1del

Gene: FANCC (FA complementation group C; minus strand). Cytogenetic location: 9q22.32.
Variant type: Deletion.
Coding change: c.-79+1del on transcript NM_000136.3 (MANE Select); the canonical splice donor site of the intron after 79 bases upstream of the start codon, one base deleted (G; older notation c.-79+1delG).
Molecular consequence: splice donor variant.
Genome position (GRCh38, 1-based): chr9:95,317,525, C deleted on the plus strand (G on the coding strand, the reverse complement: FANCC is on the minus strand); the first of 2 consecutive C bases (chr9:95,317,525-95,317,526); deleting either gives the same sequence. VCF-style (leftmost placement, unchanged base first): chr9-95317524-AC-A. GRCh37 (hg19) VCF-style: chr9-98079806-AC-A.
Other names: c.-79+1del (NM_001243744.2).
Identifiers: ClinVar variation 2092537 (VCV002092537.4), dbSNP rs2543452320, ClinGen allele CA2580080700.